The following is an entry in ClinVar:

ClinVar aggregate classification (germline): Uncertain significance (1 of 4 stars; one submission).

Submission:

Ambry Genetics
Classification: Uncertain significance. Last evaluated: 2025-01-03. Review status: criteria provided, single submitter. Criteria: Ambry Variant Classification Scheme 2023. Collection method: clinical testing. Allele origin: germline.
Comment: The p.D889E variant (also known as c.2667T>A), located in coding exon 24 of the KIF1B gene, results from a T to A substitution at nucleotide position 2667. The aspartic acid at codon 889 is replaced by glutamic acid, an amino acid with highly similar properties. This amino acid position is conserved. In addition, this alteration is predicted to be tolerated by in silico analysis. Based on the available evidence, the clinical significance of this variant remains unclear.

NM_001365951.3(KIF1B):c.2805T>A (p.Asp935Glu)

Genes: KIF1B (kinesin family member 1B; plus strand), LOC126805614 (BRD4-independent group 4 enhancer GRCh37_chr1:10385546-10386745; plus strand). Cytogenetic location: 1p36.22.
Variant type: single nucleotide variant.
Coding change: c.2805T>A on transcript NM_001365951.3 (MANE Select); coding-DNA position 2805, T replaced by A.
Protein change: p.Asp935Glu; replaces aspartic acid 935 with glutamic acid.
Molecular consequence: missense variant.
Genome position (GRCh38, 1-based): chr1:10,326,240, T>A. VCF-style: chr1-10326240-T-A. GRCh37 (hg19) VCF-style: chr1-10386298-T-A.
Other names: c.2805T>A, p.Asp935Glu (NM_001365952.1); c.2667T>A, p.Asp889Glu (NM_015074.3); short protein forms D889E, D935E.
Identifiers: ClinVar variation 3864059 (VCV003864059.1).